The following is an entry in ClinVar:

ClinVar aggregate classification (germline): Uncertain significance (1 of 4 stars; one submission).

Submission:

GeneDx
Classification: Uncertain significance. Last evaluated: 2025-03-07. Review status: criteria provided, single submitter. Criteria: GeneDx Variant Classification Process June 2021. Collection method: clinical testing. Allele origin: germline.
Comment: Not observed at significant frequency in large population cohorts (gnomAD); In silico analysis indicates that this missense variant does not alter protein structure/function; Has not been previously published as pathogenic or benign to our knowledge

NM_001348323.3(TRIP12):c.3554T>C (p.Met1185Thr)

Gene: TRIP12 (thyroid hormone receptor interactor 12; minus strand). Cytogenetic location: 2q36.3.
Variant type: single nucleotide variant.
Coding change: c.3554T>C on transcript NM_001348323.3 (MANE Select); coding-DNA position 3554, T replaced by C.
Protein change: p.Met1185Thr; replaces methionine 1185 with threonine.
Molecular consequence: missense variant.
Genome position (GRCh38, 1-based): chr2:229,797,760, A>G on the plus strand (T>C on the coding strand, the complement: TRIP12 is on the minus strand). VCF-style: chr2-229797760-A-G. GRCh37 (hg19) VCF-style: chr2-230662476-A-G.
Other names: c.3473T>C, p.Met1158Thr (NM_001284214.2, NM_001348315.2); c.3428T>C, p.Met1143Thr (NM_001284215.2, NM_001348316.2, NM_001348317.1 and 1 more transcripts); c.2519T>C, p.Met840Thr (NM_001284216.2); c.3554T>C, p.Met1185Thr (NM_001348319.1, NM_001348320.2, NM_001348322.1 and 4 more transcripts); c.3557T>C, p.Met1186Thr (NM_001348321.1, NM_001348328.1, NM_001348329.2 and 1 more transcripts); c.3347T>C, p.Met1116Thr (NM_001348331.1); c.3467T>C, p.Met1156Thr (NM_001348332.1); c.3476T>C, p.Met1159Thr (NM_001348333.1); and 1 more; short protein forms M1110T, M1116T, M1143T, M1156T, M1158T, M1159T, M1185T, M1186T.
Identifiers: ClinVar variation 3367282 (VCV003367282.2).